The following is an entry in ClinVar:

NM_004523.4(KIF11):c.2372C>T (p.Thr791Ile)

Gene: KIF11 (kinesin family member 11; plus strand). Cytogenetic location: 10q23.33.
Variant type: single nucleotide variant.
Coding change: c.2372C>T on transcript NM_004523.4 (MANE Select); coding-DNA position 2372, C replaced by T.
Protein change: p.Thr791Ile; replaces threonine 791 with isoleucine.
Molecular consequence: missense variant.
Genome position (GRCh38, 1-based): chr10:92,645,467, C>T. VCF-style: chr10-92645467-C-T. GRCh37 (hg19) VCF-style: chr10-94405224-C-T.
Other names: short protein forms T791I.
Identifiers: ClinVar variation 850350 (VCV000850350.31), dbSNP rs201096319, ClinGen allele CA5604384.

ClinVar aggregate classification (germline): Likely benign. Review status: criteria provided, multiple submitters, no conflicts (2 of 4 stars). 3 submissions from 3 submitters: Likely benign (3). Last evaluated 2025-09-28.

Allele frequency attached by ClinVar (database versions not stated): ExAC 0.00003; gnomAD exomes 0.00004; TOPMed 0.00004; gnomAD 0.00006; ESP Exome Variant Server 0.00015.
gnomAD v4.1: 83 of 1,613,806 alleles (0.0051%); highest among the groups gnomAD compares: Non-Finnish European, 0.0065%; no homozygotes.

Submissions (3):

Labcorp Genetics (formerly Invitae), Labcorp
Classification: Likely benign. Last evaluated: 2025-09-28. Review status: criteria provided, single submitter. Criteria: Invitae Variant Classification Sherloc (09022015). Collection method: clinical testing. Allele origin: germline.

CeGaT Center for Human Genetics Tuebingen
Classification: Likely benign. Last evaluated: 2023-06-01. Review status: criteria provided, single submitter. Criteria: CeGaT Center For Human Genetics Tuebingen Variant Classification Criteria Version 2. Collection method: clinical testing. Allele origin: germline. Affected: yes. Observed: 1 variant allele.
Comment: KIF11: BP4

Blueprint Genetics
Classification: Likely benign. Last evaluated: 2022-10-19. Review status: criteria provided, single submitter. Criteria: ACMG Guidelines, 2015. Collection method: clinical testing. Allele origin: germline.